The following is an entry in ClinVar:

ClinVar aggregate classification (germline): Uncertain significance (1 of 4 stars; one submission).

Submission:

Labcorp Genetics (formerly Invitae), Labcorp
Classification: Uncertain significance. Last evaluated: 2024-10-08. Review status: criteria provided, single submitter. Criteria: Invitae Variant Classification Sherloc (09022015). Collection method: clinical testing. Allele origin: germline.
Comment: This sequence change replaces proline, which is neutral and non-polar, with leucine, which is neutral and non-polar, at codon 200 of the FAM20C protein (p.Pro200Leu). The frequency data for this variant in the population databases is considered unreliable, as metrics indicate poor data quality at this position in the gnomAD database. This variant has not been reported in the literature in individuals affected with FAM20C-related conditions. ClinVar contains an entry for this variant (Variation ID: 2094359). Invitae Evidence Modeling of protein sequence and biophysical properties (such as structural, functional, and spatial information, amino acid conservation, physicochemical variation, residue mobility, and thermodynamic stability) indicates that this missense variant is not expected to disrupt FAM20C protein function with a negative predictive value of 80%. In summary, the available evidence is currently insufficient to determine the role of this variant in disease. Therefore, it has been classified as a Variant of Uncertain Significance.

NM_020223.4(FAM20C):c.599C>T (p.Pro200Leu)

Gene: FAM20C (FAM20C golgi associated secretory pathway kinase; plus strand). Cytogenetic location: 7p22.3.
Variant type: single nucleotide variant.
Coding change: c.599C>T on transcript NM_020223.4 (MANE Select); coding-DNA position 599, C replaced by T.
Protein change: p.Pro200Leu; replaces proline 200 with leucine.
Molecular consequence: missense variant.
Genome position (GRCh38, 1-based): chr7:193,798, C>T. VCF-style: chr7-193798-C-T. GRCh37 (hg19) VCF-style: chr7-193798-C-T.
Other names: short protein forms P200L.
Identifiers: ClinVar variation 2094359 (VCV002094359.4), dbSNP rs1353947235, ClinGen allele CA366524624.